The following is an entry in ClinVar:

NM_017654.4(SAMD9):c.1565G>A (p.Arg522Lys)

Gene: SAMD9 (sterile alpha motif domain containing 9; minus strand). Cytogenetic location: 7q21.2.
Variant type: single nucleotide variant.
Coding change: c.1565G>A on transcript NM_017654.4 (MANE Select); coding-DNA position 1565, G replaced by A.
Protein change: p.Arg522Lys; replaces arginine 522 with lysine.
Molecular consequence: missense variant.
Genome position (GRCh38, 1-based): chr7:93,104,533, C>T on the plus strand (G>A on the coding strand, the complement: SAMD9 is on the minus strand). VCF-style: chr7-93104533-C-T. GRCh37 (hg19) VCF-style: chr7-92733846-C-T.
Other names: c.1565G>A, p.Arg522Lys (NM_001193307.2); short protein forms R522K.
Identifiers: ClinVar variation 4159213 (VCV004159213.1).

ClinVar aggregate classification (germline): Uncertain significance (1 of 4 stars; one submission).

Conditions:
Inborn genetic diseases. Identifiers: MedGen C0950123, MeSH D030342.

Submission:

Ambry Genetics
Classification: Uncertain significance for Inborn genetic diseases. Last evaluated: 2025-09-07. Review status: criteria provided, single submitter. Criteria: Ambry Variant Classification Scheme 2023. Collection method: clinical testing. Allele origin: germline.
Comment: The p.R522K variant (also known as c.1565G>A), located in coding exon 1 of the SAMD9 gene, results from a G to A substitution at nucleotide position 1565. The arginine at codon 522 is replaced by lysine, an amino acid with highly similar properties. This amino acid position is conserved. In addition, this alteration is predicted to be tolerated by in silico analysis. Based on the available evidence, the clinical significance of this variant remains unclear.